The following is an entry in ClinVar:

NM_001363118.2(SLC52A2):c.709G>A (p.Ala237Thr)

Gene: SLC52A2 (solute carrier family 52 member 2; plus strand). Cytogenetic location: 8q24.3.
Variant type: single nucleotide variant.
Coding change: c.709G>A on transcript NM_001363118.2 (MANE Select); coding-DNA position 709, G replaced by A.
Protein change: p.Ala237Thr; replaces alanine 237 with threonine.
Molecular consequence: missense variant. On other transcripts: non-coding transcript variant (1).
Genome position (GRCh38, 1-based): chr8:144,360,201, G>A. VCF-style: chr8-144360201-G-A. GRCh37 (hg19) VCF-style: chr8-145583861-G-A.
Other names: c.709G>A, p.Ala237Thr (NM_001253815.2, NM_001253816.2, NM_001363120.2 and 2 more transcripts); c.217G>A, p.Ala73Thr (NM_001363122.2); short protein forms A73T, A237T.
Identifiers: ClinVar variation 1397867 (VCV001397867.8), dbSNP rs373923619, ClinGen allele CA372627696.

ClinVar aggregate classification (germline): Uncertain significance (1 of 4 stars; one submission).

Conditions:
Brown-Vialetto-van Laere syndrome 2. Also called: SPINOCEREBELLAR ATAXIA WITH BLINDNESS AND DEAFNESS 2; Riboflavin transporter deficiency type 2. Identifiers: Orphanet 572543, Orphanet 97229, MedGen C3553538, MONDO:0013867, OMIM 614707.

gnomAD v4.1: 14 of 1,612,786 alleles (0.00087%); highest among the groups gnomAD compares: Non-Finnish European, 0.0012%; no homozygotes.

Submission:

Labcorp Genetics (formerly Invitae), Labcorp
Classification: Uncertain significance for Brown-Vialetto-van Laere syndrome 2. Last evaluated: 2020-12-24. Review status: criteria provided, single submitter. Criteria: Invitae Variant Classification Sherloc (09022015). Collection method: clinical testing. Allele origin: germline.
Comment: This variant has not been reported in the literature in individuals with SLC52A2-related conditions. In summary, the available evidence is currently insufficient to determine the role of this variant in disease. Therefore, it has been classified as a Variant of Uncertain Significance. Advanced modeling of protein sequence and biophysical properties (such as structural, functional, and spatial information, amino acid conservation, physicochemical variation, residue mobility, and thermodynamic stability) performed at Invitae indicates that this missense variant is not expected to disrupt SLC52A2 protein function. This variant is not present in population databases (ExAC no frequency). This sequence change replaces alanine with threonine at codon 237 of the SLC52A2 protein (p.Ala237Thr). The alanine residue is weakly conserved and there is a small physicochemical difference between alanine and threonine.